The following is an entry in ClinVar:

ClinVar aggregate classification (germline): Uncertain significance (1 of 4 stars; one submission).

Allele frequency attached by ClinVar (database versions not stated): TOPMed below 0.00001; gnomAD exomes 0.00001; ExAC 0.00003.
gnomAD v4.1: 14 of 1,583,886 alleles (0.00088%); highest among the groups gnomAD compares: Middle Eastern, 0.017%; no homozygotes.

Submission:

Labcorp Genetics (formerly Invitae), Labcorp
Classification: Uncertain significance. Last evaluated: 2022-07-06. Review status: criteria provided, single submitter. Criteria: Invitae Variant Classification Sherloc (09022015). Collection method: clinical testing. Allele origin: germline.
Comment: In summary, the available evidence is currently insufficient to determine the role of this variant in disease. Therefore, it has been classified as a Variant of Uncertain Significance. Algorithms developed to predict the effect of missense changes on protein structure and function output the following: SIFT: "Tolerated"; PolyPhen-2: "Probably Damaging"; Align-GVGD: "Class C0". The leucine amino acid residue is found in multiple mammalian species, which suggests that this missense change does not adversely affect protein function. Algorithms developed to predict the effect of sequence changes on RNA splicing suggest that this variant may disrupt the consensus splice site. ClinVar contains an entry for this variant (Variation ID: 1356019). This variant has not been reported in the literature in individuals affected with ILDR1-related conditions. This variant is present in population databases (rs751575285, gnomAD 0.007%). This sequence change replaces serine, which is neutral and polar, with leucine, which is neutral and non-polar, at codon 533 of the ILDR1 protein (p.Ser533Leu).

NM_001199799.2(ILDR1):c.1598C>T (p.Ser533Leu)

Gene: ILDR1 (immunoglobulin like domain containing receptor 1; minus strand). Cytogenetic location: 3q13.33.
Variant type: single nucleotide variant.
Coding change: c.1598C>T on transcript NM_001199799.2 (MANE Select); coding-DNA position 1598, C replaced by T.
Protein change: p.Ser533Leu; replaces serine 533 with leucine.
Molecular consequence: missense variant.
Genome position (GRCh38, 1-based): chr3:121,993,151, G>A on the plus strand (C>T on the coding strand, the complement: ILDR1 is on the minus strand). VCF-style: chr3-121993151-G-A. GRCh37 (hg19) VCF-style: chr3-121711998-G-A.
Other names: c.1331C>T, p.Ser444Leu (NM_001199800.2); c.1466C>T, p.Ser489Leu (NM_175924.4); short protein forms S444L, S533L, S489L.
Identifiers: ClinVar variation 1356019 (VCV001356019.8), dbSNP rs751575285, ClinGen allele CA2568614.